The following is an entry in ClinVar:

ClinVar aggregate classification (germline): Likely benign. Review status: criteria provided, multiple submitters, no conflicts (2 of 4 stars). 2 submissions from 2 submitters: Likely benign (2). Last evaluated 2026-06-01.

Conditions:
CIC-related disorder. Also called: CIC-related condition.

Submissions (2):

CeGaT Center for Human Genetics Tuebingen
Classification: Likely benign. Last evaluated: 2026-06-01. Review status: criteria provided, single submitter. Criteria: CeGaT Center For Human Genetics Tuebingen Variant Classification Criteria Version 2. Collection method: clinical testing. Allele origin: germline. Affected: yes. Observed: 1 variant allele.
Comment: CIC: BP4

PreventionGenetics, part of Exact Sciences
Classification: Likely benign for CIC-related condition. Last evaluated: 2025-12-23. Review status: criteria provided, single submitter. Criteria: ACMG Guidelines, 2015. Collection method: clinical testing. Allele origin: germline.
Comment: This variant is classified as likely benign based on ACMG/AMP sequence variant interpretation guidelines (Richards et al. 2015 PMID: 25741868, with internal and published modifications).

NM_001386298.1(CIC):c.6034A>G (p.Thr2012Ala)

Gene: CIC (capicua transcriptional repressor; plus strand). Cytogenetic location: 19q13.2.
Variant type: single nucleotide variant.
Coding change: c.6034A>G on transcript NM_001386298.1 (MANE Select); coding-DNA position 6034, A replaced by G.
Protein change: p.Thr2012Ala; replaces threonine 2012 with alanine.
Molecular consequence: missense variant.
Genome position (GRCh38, 1-based): chr19:42,292,697, A>G. VCF-style: chr19-42292697-A-G. GRCh37 (hg19) VCF-style: chr19-42796849-A-G.
Other names: c.6034A>G, p.Thr2012Ala (NM_001304815.2, NM_001379480.1, NM_001379482.1 and 6 more transcripts); c.3307A>G, p.Thr1103Ala (NM_001379484.1, NM_001379485.1, NM_001439189.1 and 2 more transcripts); c.3304A>G, p.Thr1102Ala (NM_001439191.1); short protein forms T1102A, T1103A, T2012A.
Identifiers: ClinVar variation 4873612 (VCV004873612.3).
Genomic context (GRCh38, chr19:42,292,697, plus strand): 5'-GCCTGTGCAGCCCCCGGAGGTCCTGTCATAACAGCATTTTACTCTGGCAGCCCTGCACCC[A>G]CCTCCTCAGCACCCCTGGCCCAGCCATCCCAGGCCCCCCCAAGCCTGGTCTACACTGTGG-3'
Protein context (NP_001373227.1, residues 2002-2022): TAFYSGSPAP[Thr2012Ala]SSAPLAQPSQ